The following is an entry in ClinVar:

ClinVar aggregate classification (germline): Conflicting classifications of pathogenicity. Review status: criteria provided, conflicting classifications (1 of 4 stars). 2 submissions from 2 submitters: Uncertain significance (1); Likely benign (1). Last evaluated 2024-11-16.

Allele frequency attached by ClinVar (database versions not stated): gnomAD 0.00001; gnomAD exomes 0.00001; TOPMed 0.00001; ExAC 0.00002.
gnomAD v4.1: 13 of 1,595,522 alleles (0.00081%); highest among the groups gnomAD compares: South Asian, 0.012%; 1 homozygote.

Submissions (2):

Labcorp Genetics (formerly Invitae), Labcorp
Classification: Likely benign. Last evaluated: 2024-11-16. Review status: criteria provided, single submitter. Criteria: Invitae Variant Classification Sherloc (09022015). Collection method: clinical testing. Allele origin: germline.

GeneDx
Classification: Uncertain significance. Last evaluated: 2023-08-04. Review status: criteria provided, single submitter. Criteria: GeneDx Variant Classification Process June 2021. Collection method: clinical testing. Allele origin: germline. Affected: yes.
Comment: In silico analysis supports that this missense variant has a deleterious effect on protein structure/function; Has not been previously published as pathogenic or benign to our knowledge

NM_130837.3(OPA1):c.442G>A (p.Asp148Asn)

Gene: OPA1 (OPA1 mitochondrial dynamin like GTPase; plus strand). Cytogenetic location: 3q29.
Variant type: single nucleotide variant.
Coding change: c.442G>A on transcript NM_130837.3 (MANE Select); coding-DNA position 442, G replaced by A.
Protein change: p.Asp148Asn; replaces aspartic acid 148 with asparagine.
Molecular consequence: missense variant.
Genome position (GRCh38, 1-based): chr3:193,615,764, G>A. VCF-style: chr3-193615764-G-A. GRCh37 (hg19) VCF-style: chr3-193333553-G-A.
Other names: c.70G>A, p.Asp24Asn (NM_001354663.2, NM_001354664.2); c.442G>A, p.Asp148Asn (NM_015560.3, NM_130831.3, NM_130832.3 and 4 more transcripts); short protein forms D148N, D24N.
Identifiers: ClinVar variation 1979238 (VCV001979238.5), dbSNP rs758124618, ClinGen allele CA2759010.